The following is an entry in ClinVar:

ClinVar aggregate classification (germline): Uncertain significance (1 of 4 stars; one submission).

Allele frequency attached by ClinVar (database versions not stated): gnomAD below 0.00001 and 0.00001; gnomAD exomes below 0.00001.
gnomAD v4.1: 2 of 1,593,212 alleles (0.00013%); highest among the groups gnomAD compares: East Asian, 0.0022%; no homozygotes.

Submission:

Labcorp Genetics (formerly Invitae), Labcorp
Classification: Uncertain significance. Last evaluated: 2018-12-13. Review status: criteria provided, single submitter. Criteria: Invitae Variant Classification Sherloc (09022015). Collection method: clinical testing. Allele origin: germline.
Comment: This sequence change replaces asparagine with aspartic acid at codon 1717 of the POLE protein (p.Asn1717Asp). The asparagine residue is highly conserved and there is a small physicochemical difference between asparagine and aspartic acid. This variant is not present in population databases (ExAC no frequency). This variant has not been reported in the literature in individuals with POLE-related conditions. Algorithms developed to predict the effect of missense changes on protein structure and function are either unavailable or do not agree on the potential impact of this missense change (SIFT: "Deleterious"; PolyPhen-2: "Possibly Damaging"; Align-GVGD: "Class C15"). In summary, the available evidence is currently insufficient to determine the role of this variant in disease. Therefore, it has been classified as a Variant of Uncertain Significance.

NM_006231.4(POLE):c.5149A>G (p.Asn1717Asp)

Gene: POLE (DNA polymerase epsilon, catalytic subunit; minus strand). Cytogenetic location: 12q24.33.
Variant type: single nucleotide variant.
Coding change: c.5149A>G on transcript NM_006231.4 (MANE Select); coding-DNA position 5149, A replaced by G.
Protein change: p.Asn1717Asp; replaces asparagine 1717 with aspartic acid.
Molecular consequence: missense variant.
Genome position (GRCh38, 1-based): chr12:132,642,201, T>C on the plus strand (A>G on the coding strand, the complement: POLE is on the minus strand). VCF-style: chr12-132642201-T-C. GRCh37 (hg19) VCF-style: chr12-133218787-T-C.
Other names: short protein forms N1717D.
Identifiers: ClinVar variation 643568 (VCV000643568.8), dbSNP rs1593729300, ClinGen allele CA387376698.